The following is an entry in ClinVar:

ClinVar aggregate classification (germline): Uncertain significance (0 of 4 stars; one submission).

Conditions:
NRP2-related disorder. Also called: NRP2-related condition.

gnomAD v4.1: 51 of 1,613,244 alleles (0.0032%); highest among the groups gnomAD compares: Non-Finnish European, 0.0042%; no homozygotes.

Submission:

PreventionGenetics, part of Exact Sciences
Classification: Uncertain significance for NRP2-related condition. Last evaluated: 2024-05-24. Review status: no assertion criteria provided. Collection method: clinical testing. Allele origin: germline.
Comment: The NRP2 c.1000C>A variant is predicted to result in the amino acid substitution p.Arg334Ser. To our knowledge, this variant has not been reported in the literature. This variant is reported in 0.00088% of alleles in individuals of European (Non-Finnish) descent in gnomAD. At this time, the clinical significance of this variant is uncertain due to the absence of conclusive functional and genetic evidence.

NM_003872.3(NRP2):c.1000C>A (p.Arg334Ser)

Gene: NRP2 (neuropilin 2; plus strand). Cytogenetic location: 2q33.3.
Variant type: single nucleotide variant.
Coding change: c.1000C>A on transcript NM_003872.3 (MANE Select); coding-DNA position 1000, C replaced by A.
Protein change: p.Arg334Ser; replaces arginine 334 with serine.
Molecular consequence: missense variant.
Genome position (GRCh38, 1-based): chr2:205,727,900, C>A. VCF-style: chr2-205727900-C-A. GRCh37 (hg19) VCF-style: chr2-206592624-C-A.
Other names: c.1000C>A, p.Arg334Ser (NM_018534.4, NM_201264.2, NM_201266.2 and 2 more transcripts); short protein forms R334S.
Identifiers: ClinVar variation 3354735 (VCV003354735.1).
Genomic context (GRCh38, chr2:205,727,900, plus strand): 5'-CTGCCCTGTGTTGGGAATGGTGGTCTCTTACTCCAGCCCTCTATTCCCCAGGTGGACCTG[C>A]GCTTTTTAACCATGCTCACGGCCATCGCAACACAGGGAGCGATTTCCAGGGAAACACAGA-3'
Protein context (NP_003863.2, residues 324-344): SNKEYLQVDL[Arg334Ser]FLTMLTAIAT